The following is an entry in ClinVar:

NM_001291303.3(FAT4):c.7454C>T (p.Ser2485Phe)

Gene: FAT4 (FAT atypical cadherin 4; plus strand). Cytogenetic location: 4q28.1.
Variant type: single nucleotide variant.
Coding change: c.7454C>T on transcript NM_001291303.3 (MANE Select); coding-DNA position 7454, C replaced by T.
Protein change: p.Ser2485Phe; replaces serine 2485 with phenylalanine.
Molecular consequence: missense variant.
Genome position (GRCh38, 1-based): chr4:125,448,464, C>T. VCF-style: chr4-125448464-C-T. GRCh37 (hg19) VCF-style: chr4-126369619-C-T.
Other names: c.7454C>T, p.Ser2485Phe (NM_001291285.3); c.7448C>T, p.Ser2483Phe (NM_024582.6); short protein forms S2485F, S2483F.
Identifiers: ClinVar variation 1495326 (VCV001495326.8), dbSNP rs2126056606, ClinGen allele CA358140066.
Genomic context (GRCh38, chr4:125,448,464, plus strand): 5'-ACCAAATATTTTATTTAAATTCCACGTGAGTATAACTGCACACTTTCTCTTTTATAGGTT[C>T]CTTTGTCTTTGCGGTTACAGTCACAGATGCTGATATTGGACCAAATTCTGAACTGCATTA-3'
Protein context (NP_001278232.1, residues 2475-2495): THIPSPTLPG[Ser2485Phe]FVFAVTVTDA

ClinVar aggregate classification (germline): Uncertain significance (1 of 4 stars; one submission).

Allele frequency attached by ClinVar (database versions not stated): gnomAD exomes below 0.00001.
gnomAD v4.1: 2 of 1,594,136 alleles (0.00013%); highest among the groups gnomAD compares: Admixed American, 0.0018%; no homozygotes.

Submission:

Labcorp Genetics (formerly Invitae), Labcorp
Classification: Uncertain significance. Last evaluated: 2022-02-03. Review status: criteria provided, single submitter. Criteria: Invitae Variant Classification Sherloc (09022015). Collection method: clinical testing. Allele origin: germline.
Comment: In summary, the available evidence is currently insufficient to determine the role of this variant in disease. Therefore, it has been classified as a Variant of Uncertain Significance. Advanced modeling of protein sequence and biophysical properties (such as structural, functional, and spatial information, amino acid conservation, physicochemical variation, residue mobility, and thermodynamic stability) performed at Invitae indicates that this missense variant is not expected to disrupt FAT4 protein function. This variant has not been reported in the literature in individuals affected with FAT4-related conditions. This variant is not present in population databases (gnomAD no frequency). This sequence change replaces serine, which is neutral and polar, with phenylalanine, which is neutral and non-polar, at codon 2483 of the FAT4 protein (p.Ser2483Phe).